The following is an entry in ClinVar:

ClinVar aggregate classification (germline): Uncertain significance. Review status: criteria provided, multiple submitters, no conflicts (2 of 4 stars). 2 submissions from 2 submitters: Uncertain significance (2). Last evaluated 2026-05-23.

Conditions:
Dilated cardiomyopathy 1JJ (CMD1JJ). Identifiers: Orphanet 154, MedGen C3808935, MONDO:0014095, OMIM 615235.
Cardiovascular phenotype. Identifiers: MedGen CN230736.

gnomAD v4.1: 5 of 1,614,106 alleles (0.00031%); highest among the groups gnomAD compares: Admixed American, 0.0083%; no homozygotes.

Submissions (2):

Ambry Genetics
Classification: Uncertain significance for Cardiovascular phenotype. Last evaluated: 2026-05-23. Review status: criteria provided, single submitter. Criteria: Ambry Variant Classification Scheme 2023. Collection method: clinical testing. Allele origin: germline.
Comment: The p.I1786V variant (also known as c.5356A>G), located in coding exon 38 of the LAMA4 gene, results from an A to G substitution at nucleotide position 5356. The isoleucine at codon 1786 is replaced by valine, an amino acid with highly similar properties. This amino acid position is conserved. In addition, the in silico prediction for this alteration is inconclusive. Based on the available evidence, the clinical significance of this variant remains unclear.

Labcorp Genetics (formerly Invitae), Labcorp
Classification: Uncertain significance for Dilated cardiomyopathy 1JJ. Last evaluated: 2025-03-21. Review status: criteria provided, single submitter. Criteria: Invitae Variant Classification Sherloc (09022015). Collection method: clinical testing. Allele origin: germline.
Comment: This sequence change replaces isoleucine, which is neutral and non-polar, with valine, which is neutral and non-polar, at codon 1786 of the LAMA4 protein (p.Ile1786Val). This variant is present in population databases (rs782046133, gnomAD 0.01%). This variant has not been reported in the literature in individuals affected with LAMA4-related conditions. Invitae Evidence Modeling of protein sequence and biophysical properties (such as structural, functional, and spatial information, amino acid conservation, physicochemical variation, residue mobility, and thermodynamic stability) indicates that this missense variant is not expected to disrupt LAMA4 protein function with a negative predictive value of 80%. In summary, the available evidence is currently insufficient to determine the role of this variant in disease. Therefore, it has been classified as a Variant of Uncertain Significance.

NM_001105206.3(LAMA4):c.5377A>G (p.Ile1793Val)

Gene: LAMA4 (laminin subunit alpha 4; minus strand). Cytogenetic location: 6q21.
Variant type: single nucleotide variant.
Coding change: c.5377A>G on transcript NM_001105206.3 (MANE Select); coding-DNA position 5377, A replaced by G.
Protein change: p.Ile1793Val; replaces isoleucine 1793 with valine.
Molecular consequence: missense variant.
Genome position (GRCh38, 1-based): chr6:112,109,532, T>C on the plus strand (A>G on the coding strand, the complement: LAMA4 is on the minus strand). VCF-style: chr6-112109532-T-C. GRCh37 (hg19) VCF-style: chr6-112430735-T-C.
Other names: c.5356A>G, p.Ile1786Val (NM_001105207.3, NM_002290.5); short protein forms I1786V, I1793V.
Identifiers: ClinVar variation 4777444 (VCV004777444.2).